The following is an entry in ClinVar:

ClinVar aggregate classification (germline): Likely benign (1 of 4 stars; one submission).

gnomAD v4.1: 38 of 1,220,780 alleles (0.0031%); highest among the groups gnomAD compares: Non-Finnish European, 0.0035%; no homozygotes.

Submission:

CeGaT Center for Human Genetics Tuebingen
Classification: Likely benign. Last evaluated: 2025-01-01. Review status: criteria provided, single submitter. Criteria: CeGaT Center For Human Genetics Tuebingen Variant Classification Criteria Version 2. Collection method: clinical testing. Allele origin: germline. Affected: yes. Observed: 1 variant allele.
Comment: YRDC: BP4, BP7

NM_024640.4(YRDC):c.219C>T (p.Ala73=)

Genes: C1orf122 (chromosome 1 open reading frame 122; plus strand), YRDC (yrdC N6-threonylcarbamoyltransferase domain containing; minus strand), LOC129930167 (ATAC-STARR-seq lymphoblastoid silent region 680; plus strand). Cytogenetic location: 1p34.3.
Variant type: single nucleotide variant.
Coding change: c.219C>T on transcript NM_024640.4 (MANE Select); coding-DNA position 219, C replaced by T.
Protein change: p.Ala73=; no amino-acid change (alanine 73 retained).
Molecular consequence: synonymous variant. On other transcripts: 5 prime UTR variant (2).
Genome position (GRCh38, 1-based): chr1:37,807,962, G>A on the plus strand (C>T on the coding strand, the complement: YRDC is on the minus strand). VCF-style: chr1-37807962-G-A. GRCh37 (hg19) VCF-style: chr1-38273634-G-A.
Other names: c.-499G>A (NM_001142726.2); c.-443G>A (NM_198446.3).
Identifiers: ClinVar variation 3771892 (VCV003771892.13).